The following is an entry in ClinVar:

NM_006231.4(POLE):c.2612G>T (p.Ser871Ile)

Gene: POLE (DNA polymerase epsilon, catalytic subunit; minus strand). Cytogenetic location: 12q24.33.
Variant type: single nucleotide variant.
Coding change: c.2612G>T on transcript NM_006231.4 (MANE Select); coding-DNA position 2612, G replaced by T.
Protein change: p.Ser871Ile; replaces serine 871 with isoleucine.
Molecular consequence: missense variant.
Genome position (GRCh38, 1-based): chr12:132,664,098, C>A on the plus strand (G>T on the coding strand, the complement: POLE is on the minus strand). VCF-style: chr12-132664098-C-A. GRCh37 (hg19) VCF-style: chr12-133240684-C-A.
Other names: c.2612G>T (NM_006231.2); short protein forms S871I.
Identifiers: ClinVar variation 2738145 (VCV002738145.4), dbSNP rs770470552, ClinGen allele CA387395636.

ClinVar aggregate classification (germline): Uncertain significance. Review status: criteria provided, multiple submitters, no conflicts (2 of 4 stars). 2 submissions from 2 submitters: Uncertain significance (2). Last evaluated 2025-09-16.

Conditions:
Hereditary cancer-predisposing syndrome. Also called: Hereditary Cancer Syndrome; Neoplastic Syndromes, Hereditary; Hereditary neoplastic syndrome; Tumor predisposition. Identifiers: Orphanet 140162, MedGen C0027672, MeSH D009386, MONDO:0015356.

Submissions (2):

Ambry Genetics
Classification: Uncertain significance for Hereditary cancer-predisposing syndrome. Last evaluated: 2025-09-16. Review status: criteria provided, single submitter. Criteria: Ambry Variant Classification Scheme 2023. Collection method: clinical testing. Allele origin: germline.
Comment: The p.S871I variant (also known as c.2612G>T), located in coding exon 23 of the POLE gene, results from a G to T substitution at nucleotide position 2612. The serine at codon 871 is replaced by isoleucine, an amino acid with dissimilar properties. This amino acid position is well conserved in available vertebrate species. In addition, this alteration is predicted to be tolerated by in silico analysis. Based on the available evidence, the clinical significance of this variant remains unclear.

Labcorp Genetics (formerly Invitae), Labcorp
Classification: Uncertain significance. Last evaluated: 2023-07-08. Review status: criteria provided, single submitter. Criteria: Invitae Variant Classification Sherloc (09022015). Collection method: clinical testing. Allele origin: germline.
Comment: In summary, the available evidence is currently insufficient to determine the role of this variant in disease. Therefore, it has been classified as a Variant of Uncertain Significance. Advanced modeling of protein sequence and biophysical properties (such as structural, functional, and spatial information, amino acid conservation, physicochemical variation, residue mobility, and thermodynamic stability) has been performed at Invitae for this missense variant, however the output from this modeling did not meet the statistical confidence thresholds required to predict the impact of this variant on POLE protein function. This variant has not been reported in the literature in individuals affected with POLE-related conditions. This variant is not present in population databases (gnomAD no frequency). This sequence change replaces serine, which is neutral and polar, with isoleucine, which is neutral and non-polar, at codon 871 of the POLE protein (p.Ser871Ile).